The following is an entry in ClinVar:

ClinVar aggregate classification (germline): Uncertain significance. Review status: criteria provided, multiple submitters, no conflicts (2 of 4 stars). 2 submissions from 2 submitters: Uncertain significance (2). Last evaluated 2023-12-26.

Conditions:
Inborn genetic diseases. Identifiers: MedGen C0950123, MeSH D030342.
Osteogenesis imperfecta type 7 (OI7). Also called: OSTEOGENESIS IMPERFECTA, TYPE IIB; OI type 7; OI type VII; Osteogenesis imperfecta type 2B; OI type 2B; Osteogenesis imperfecta, perinatal lethal autosomal recessive. Identifiers: MedGen C1853162, MONDO:0012536, OMIM 610682.

Allele frequency attached by ClinVar (database versions not stated): ExAC 0.00001; gnomAD exomes 0.00001.
gnomAD v4.1: 15 of 1,594,328 alleles (0.00094%); highest among the groups gnomAD compares: Middle Eastern, 0.017%; no homozygotes.

Submissions (2):

Ambry Genetics
Classification: Uncertain significance for Inborn genetic diseases. Last evaluated: 2023-12-26. Review status: criteria provided, single submitter. Criteria: Ambry Variant Classification Scheme 2023. Collection method: clinical testing. Allele origin: germline.

Labcorp Genetics (formerly Invitae), Labcorp
Classification: Uncertain significance for Osteogenesis imperfecta type 7. Last evaluated: 2022-07-19. Review status: criteria provided, single submitter. Criteria: Invitae Variant Classification Sherloc (09022015). Collection method: clinical testing. Allele origin: germline.
Comment: This sequence change replaces methionine, which is neutral and non-polar, with threonine, which is neutral and polar, at codon 42 of the CRTAP protein (p.Met42Thr). This variant is present in population databases (rs761551356, gnomAD 0.01%). This variant has not been reported in the literature in individuals affected with CRTAP-related conditions. ClinVar contains an entry for this variant (Variation ID: 1012090). Algorithms developed to predict the effect of missense changes on protein structure and function are either unavailable or do not agree on the potential impact of this missense change (SIFT: "Deleterious"; PolyPhen-2: "Benign"; Align-GVGD: "Class C0"). In summary, the available evidence is currently insufficient to determine the role of this variant in disease. Therefore, it has been classified as a Variant of Uncertain Significance.

NM_006371.5(CRTAP):c.125T>C (p.Met42Thr)

Gene: CRTAP (cartilage associated protein; plus strand). Cytogenetic location: 3p22.3.
Variant type: single nucleotide variant.
Coding change: c.125T>C on transcript NM_006371.5 (MANE Select); coding-DNA position 125, T replaced by C.
Protein change: p.Met42Thr; replaces methionine 42 with threonine.
Molecular consequence: missense variant.
Genome position (GRCh38, 1-based): chr3:33,114,202, T>C. VCF-style: chr3-33114202-T-C. GRCh37 (hg19) VCF-style: chr3-33155694-T-C.
Other names: c.125T>C (NM_006371.4); short protein forms M42T.
Identifiers: ClinVar variation 1012090 (VCV001012090.3), dbSNP rs761551356, ClinGen allele CA2300202.